The following is an entry in ClinVar:

ClinVar aggregate classification (germline): Likely benign. Review status: criteria provided, multiple submitters, no conflicts (2 of 4 stars). 3 submissions from 3 submitters: Likely benign (3). Last evaluated 2025-12-20.

Conditions:
Aortic aneurysm, familial thoracic 7 (AAT7). Also called: AORTIC DISSECTION, FAMILIAL, WITH OR WITHOUT AORTIC ANEURYSM. Identifiers: MedGen C3151077, MONDO:0013418, OMIM 613780.

Allele frequency attached by ClinVar (database versions not stated): gnomAD 0.00001; gnomAD exomes 0.00001; TOPMed 0.00002.
gnomAD v4.1: 20 of 1,613,178 alleles (0.0012%); highest among the groups gnomAD compares: Non-Finnish European, 0.0017%; no homozygotes.

Submissions (3):

Labcorp Genetics (formerly Invitae), Labcorp
Classification: Likely benign for Aortic aneurysm, familial thoracic 7. Last evaluated: 2025-12-20. Review status: criteria provided, single submitter. Criteria: Invitae Variant Classification Sherloc (09022015). Collection method: clinical testing. Allele origin: germline.

Blueprint Genetics
Classification: Likely benign. Last evaluated: 2023-05-23. Review status: criteria provided, single submitter. Criteria: ACMG Guidelines, 2015. Collection method: clinical testing. Allele origin: germline.

GeneDx
Classification: Likely benign. Last evaluated: 2017-08-08. Review status: criteria provided, single submitter. Criteria: GeneDx Variant Classification (06012015). Collection method: clinical testing. Allele origin: germline. Affected: yes.
Comment: This variant is considered likely benign or benign based on one or more of the following criteria: it is a conservative change, it occurs at a poorly conserved position in the protein, it is predicted to be benign by multiple in silico algorithms, and/or has population frequency not consistent with disease.

NM_053025.4(MYLK):c.1309+20G>A

Gene: MYLK (myosin light chain kinase; minus strand). Cytogenetic location: 3q21.1.
Variant type: single nucleotide variant.
Coding change: c.1309+20G>A on transcript NM_053025.4 (MANE Select); 20 bases into the intron after coding-DNA position 1309, G replaced by A.
Molecular consequence: intron variant.
Genome position (GRCh38, 1-based): chr3:123,733,667, C>T on the plus strand (G>A on the coding strand, the complement: MYLK is on the minus strand). VCF-style: chr3-123733667-C-T. GRCh37 (hg19) VCF-style: chr3-123452514-C-T.
Other names: c.781+20G>A (NM_001321309.2); c.1309+20G>A (NM_053028.4, NM_053026.4, NM_053027.4).
Identifiers: ClinVar variation 511311 (VCV000511311.7), dbSNP rs996692523, ClinGen allele CA82942848.
Genomic context (GRCh38, chr3:123,733,667, plus strand): 5'-CTAGCTGGGTGCTGAAGGAAGGGAGTGGCCACCAAGGGGCTACATTTTGGCAATCGGTGA[C>T]CCTAATTACCTCTACTCACCTTCACATCTGAACTTGACAGTTTGATTTTCCTTGACCTCC-3'